The following is an entry in ClinVar:

ClinVar aggregate classification (germline): Uncertain significance (1 of 4 stars; one submission).

gnomAD v4.1: 22 of 1,607,194 alleles (0.0014%); highest among the groups gnomAD compares: Admixed American, 0.02%; no homozygotes.

Submission:

Labcorp Genetics (formerly Invitae), Labcorp
Classification: Uncertain significance. Last evaluated: 2025-03-27. Review status: criteria provided, single submitter. Criteria: Invitae Variant Classification Sherloc (09022015). Collection method: clinical testing. Allele origin: germline.
Comment: This sequence change replaces glycine, which is neutral and non-polar, with arginine, which is basic and polar, at codon 750 of the ARHGEF10 protein (p.Gly750Arg). This variant is present in population databases (rs774488280, gnomAD 0.03%). This variant has not been reported in the literature in individuals affected with ARHGEF10-related conditions. Invitae Evidence Modeling of protein sequence and biophysical properties (such as structural, functional, and spatial information, amino acid conservation, physicochemical variation, residue mobility, and thermodynamic stability) indicates that this missense variant is not expected to disrupt ARHGEF10 protein function with a negative predictive value of 80%. In summary, the available evidence is currently insufficient to determine the role of this variant in disease. Therefore, it has been classified as a Variant of Uncertain Significance.

NM_014629.4(ARHGEF10):c.2248G>A (p.Gly750Arg)

Genes: ARHGEF10 (Rho guanine nucleotide exchange factor 10; plus strand), LOC126860281 (CDK7 strongly-dependent group 2 enhancer GRCh37_chr8:1870370-1871569; plus strand). Cytogenetic location: 8p23.3.
Variant type: single nucleotide variant.
Coding change: c.2248G>A on transcript NM_014629.4 (MANE Select); coding-DNA position 2248, G replaced by A.
Protein change: p.Gly750Arg; replaces glycine 750 with arginine.
Molecular consequence: missense variant.
Genome position (GRCh38, 1-based): chr8:1,923,068, G>A. VCF-style: chr8-1923068-G-A. GRCh37 (hg19) VCF-style: chr8-1871234-G-A.
Other names: c.2134G>A, p.Gly712Arg (NM_001308152.2, NM_001438094.1); c.2248G>A, p.Gly750Arg (NM_001308153.3); c.2251G>A, p.Gly751Arg (NM_001438091.1); c.2131G>A, p.Gly711Arg (NM_001438092.1, NM_001438093.1); short protein forms G711R, G712R, G750R, G774R, G751R.
Identifiers: ClinVar variation 4694238 (VCV004694238.1).